The following is an entry in ClinVar:

ClinVar aggregate classification (germline): Uncertain significance (1 of 4 stars; one submission).

Submission:

GeneDx
Classification: Uncertain significance. Last evaluated: 2023-04-22. Review status: criteria provided, single submitter. Criteria: GeneDx Variant Classification Process June 2021. Collection method: clinical testing. Allele origin: germline. Affected: yes.
Comment: Not observed at significant frequency in large population cohorts (gnomAD); In silico analysis supports that this missense variant has a deleterious effect on protein structure/function; Has not been previously published as pathogenic or benign to our knowledge

NM_006766.5(KAT6A):c.3422A>G (p.Asp1141Gly)

Gene: KAT6A (lysine acetyltransferase 6A; minus strand). Cytogenetic location: 8p11.21.
Variant type: single nucleotide variant.
Coding change: c.3422A>G on transcript NM_006766.5 (MANE Select); coding-DNA position 3422, A replaced by G.
Protein change: p.Asp1141Gly; replaces aspartic acid 1141 with glycine.
Molecular consequence: missense variant.
Genome position (GRCh38, 1-based): chr8:41,934,798, T>C on the plus strand (A>G on the coding strand, the complement: KAT6A is on the minus strand). VCF-style: chr8-41934798-T-C. GRCh37 (hg19) VCF-style: chr8-41792316-T-C.
Other names: short protein forms D1141G.
Identifiers: ClinVar variation 3343150 (VCV003343150.1).